The following is an entry in ClinVar:

ClinVar aggregate classification (germline): Uncertain significance. Review status: criteria provided, multiple submitters, no conflicts (2 of 4 stars). 4 submissions from 4 submitters: Uncertain significance (4). Last evaluated 2024-12-17.

Conditions:
Inborn genetic diseases. Identifiers: MedGen C0950123, MeSH D030342.

Allele frequency attached by ClinVar (database versions not stated): gnomAD exomes 0.00003; gnomAD 0.00004; TOPMed 0.00006; ExAC 0.00007.
gnomAD v4.1: 55 of 1,613,912 alleles (0.0034%); highest among the groups gnomAD compares: Non-Finnish European, 0.0042%; no homozygotes.

Submissions (4):

Ambry Genetics
Classification: Uncertain significance for Inborn genetic diseases. Last evaluated: 2024-12-17. Review status: criteria provided, single submitter. Criteria: Ambry Variant Classification Scheme 2023. Collection method: clinical testing. Allele origin: germline.

Labcorp Genetics (formerly Invitae), Labcorp
Classification: Uncertain significance. Last evaluated: 2024-12-03. Review status: criteria provided, single submitter. Criteria: Invitae Variant Classification Sherloc (09022015). Collection method: clinical testing. Allele origin: germline.
Comment: This sequence change replaces glutamine, which is neutral and polar, with glutamic acid, which is acidic and polar, at codon 133 of the WISP3 protein (p.Gln133Glu). This variant is present in population databases (rs782570326, gnomAD 0.03%). This variant has not been reported in the literature in individuals affected with WISP3-related conditions. ClinVar contains an entry for this variant (Variation ID: 2656857). Invitae Evidence Modeling of protein sequence and biophysical properties (such as structural, functional, and spatial information, amino acid conservation, physicochemical variation, residue mobility, and thermodynamic stability) has been performed for this missense variant. However, the output from this modeling did not meet the statistical confidence thresholds required to predict the impact of this variant on WISP3 protein function. In summary, the available evidence is currently insufficient to determine the role of this variant in disease. Therefore, it has been classified as a Variant of Uncertain Significance.

Blueprint Genetics
Classification: Uncertain significance. Last evaluated: 2024-10-10. Review status: criteria provided, single submitter. Criteria: ACMG Guidelines, 2015. Collection method: clinical testing. Allele origin: germline.

CeGaT Center for Human Genetics Tuebingen
Classification: Uncertain significance. Last evaluated: 2023-10-01. Review status: criteria provided, single submitter. Criteria: CeGaT Center For Human Genetics Tuebingen Variant Classification Criteria Version 2. Collection method: clinical testing. Allele origin: germline. Affected: yes. Observed: 1 variant allele.
Comment: CCN6: PM2, BP4

NM_198239.2(CCN6):c.397C>G (p.Gln133Glu)

Gene: CCN6 (cellular communication network factor 6; plus strand). Cytogenetic location: 6q21.
Variant type: single nucleotide variant.
Coding change: c.397C>G on transcript NM_198239.2 (MANE Select); coding-DNA position 397, C replaced by G.
Protein change: p.Gln133Glu; replaces glutamine 133 with glutamic acid.
Molecular consequence: missense variant. On other transcripts: non-coding transcript variant (2).
Genome position (GRCh38, 1-based): chr6:112,064,805, C>G. VCF-style: chr6-112064805-C-G. GRCh37 (hg19) VCF-style: chr6-112386008-C-G.
Other names: c.397C>G (NM_003880.3); c.397C>G, p.Gln133Glu (NM_003880.4); short protein forms Q133E.
Identifiers: ClinVar variation 2656857 (VCV002656857.28), dbSNP rs782570326, ClinGen allele CA3963996.
Genomic context (GRCh38, chr6:112,064,805, plus strand): 5'-CTCTTTTCAGACCTTGTAGCTGTTGGGTGCGAGTTCAACCAGGTACATTATCATAATGGC[C>G]AAGTGTTTCAGCCCAACCCCTTGTTCAGCTGCCTCTGTGTGAGTGGGGCCATTGGATGCA-3'
Protein context (NP_937882.2, residues 123-143): EFNQVHYHNG[Gln133Glu]VFQPNPLFSC